The following is an entry in ClinVar:

ClinVar aggregate classification (germline): Uncertain significance (0 of 4 stars; one submission).

Conditions:
MRAP2-related disorder. Also called: MRAP2-related condition.

Submission:

PreventionGenetics, part of Exact Sciences
Classification: Uncertain significance for MRAP2-related condition. Last evaluated: 2024-04-03. Review status: no assertion criteria provided. Collection method: clinical testing. Allele origin: germline.
Comment: The MRAP2 c.128-8T>C variant is predicted to interfere with splicing. To our knowledge, this variant has not been reported in the literature or in a large population database, indicating this variant is rare. At this time, the clinical significance of this variant is uncertain due to the absence of conclusive functional and genetic evidence.

NM_138409.4(MRAP2):c.128-8T>C

Gene: MRAP2 (melanocortin 2 receptor accessory protein 2; plus strand). Cytogenetic location: 6q14.2.
Variant type: single nucleotide variant.
Coding change: c.128-8T>C on transcript NM_138409.4 (MANE Select); 8 bases into the intron before coding-DNA position 128, T replaced by C.
Molecular consequence: intron variant.
Genome position (GRCh38, 1-based): chr6:84,062,885, T>C. VCF-style: chr6-84062885-T-C. GRCh37 (hg19) VCF-style: chr6-84772604-T-C.
Other names: c.128-8T>C (NM_001346542.2, NM_001346544.2); c.-132-8T>C (NM_001346543.2); c.-32+7440T>C (NM_001346541.2).
Identifiers: ClinVar variation 3354756 (VCV003354756.1).